The following is an entry in ClinVar:

NM_001126108.2(SLC12A3):c.506-2A>G

Gene: SLC12A3 (solute carrier family 12 member 3; plus strand). Cytogenetic location: 16q13.
Variant type: single nucleotide variant.
Coding change: c.506-2A>G on transcript NM_001126108.2 (MANE Select); the canonical splice acceptor site of the intron before coding-DNA position 506, A replaced by G.
Molecular consequence: splice acceptor variant.
Genome position (GRCh38, 1-based): chr16:56,869,727, A>G. VCF-style: chr16-56869727-A-G. GRCh37 (hg19) VCF-style: chr16-56903639-A-G.
Other names: c.506-2A>G (NM_000339.3); c.503-2A>G (NM_001126107.2, NM_001410896.1).
Identifiers: ClinVar variation 2736342 (VCV002736342.3), dbSNP rs764303339, ClinGen allele CA8069084.

ClinVar aggregate classification (germline): Pathogenic (1 of 4 stars; one submission).

Allele frequency attached by ClinVar (database versions not stated): gnomAD exomes below 0.00001; ExAC 0.00001.
gnomAD v4.1: 2 of 1,613,918 alleles (0.00012%); highest among the groups gnomAD compares: Non-Finnish European, 0.00017%; no homozygotes.

Submission:

Labcorp Genetics (formerly Invitae), Labcorp
Classification: Pathogenic. Last evaluated: 2024-02-24. Review status: criteria provided, single submitter. Criteria: Invitae Variant Classification Sherloc (09022015). Collection method: clinical testing. Allele origin: germline.
Comment: This sequence change affects an acceptor splice site in intron 3 of the SLC12A3 gene. It is expected to disrupt RNA splicing. Variants that disrupt the donor or acceptor splice site typically lead to a loss of protein function (PMID: 16199547), and loss-of-function variants in SLC12A3 are known to be pathogenic (PMID: 20848653, 22009145, 25841442). This variant is present in population databases (rs764303339, gnomAD 0.0009%). Disruption of this splice site has been observed in individual(s) with Gitelman syndrome (PMID: 9596079, 12112667). In at least one individual the data is consistent with being in trans (on the opposite chromosome) from a pathogenic variant. It has also been observed to segregate with disease in related individuals. This variant is also known as 531-2A>G. Algorithms developed to predict the effect of sequence changes on RNA splicing suggest that this variant may disrupt the consensus splice site. For these reasons, this variant has been classified as Pathogenic.

Literature cited by the submitters: PubMed 16199547; PubMed 20848653; PubMed 22009145; PubMed 25841442; PubMed 9596079; PubMed 12112667.